The following is an entry in ClinVar:

ClinVar aggregate classification (germline): Uncertain significance (1 of 4 stars; one submission).

Submission:

Clinical Genomics Laboratory, Laboratory for Precision Diagnostics, University of Washington
Classification: Uncertain significance. Last evaluated: 2025-02-27. Review status: criteria provided, single submitter. Criteria: ACMG/ClinGen CNV Guidelines, 2019. Collection method: clinical testing. Allele origin: unknown. Affected: yes. Observed: 1 variant allele.
Comment: This interstitial deletion is approximately 19.6 kb in size with breakpoints in introns 10 and 11 of NACLN (NM_052867.4), which deletes the entirety of exon 11. The deletion of this coding exon may cause a loss of function of this copy of NACLN. Variants in NACLN are associated with at least two conditions that have overlapping clinical features. Loss-of-function variants in both copies of NACLN causes autosomal recessive infantile hypotonia with psychomotor retardation and characteristic facies (IHPRF; OMIM 615419). Having only one functioning copy of NACLN usually does not cause the autosomal recessive disorder, but loss-of-function variants in both copies of NACLN causes autosomal recessive IHPRF. Heterozygous variants in NALCN have been found in people with autosomal dominant congenital contractures of limbs and face, hypotonia and developmental delay (CLIFAHDD, OMIM #616266). The mechanism by which variants in NALCN cause CLIFAHDD has not been established. Missense variants located in or near the predicted S5 and S6 domains of the NALCN channel are thought to cause CLIFAHDD by a dominant-negative effect and/or gain-of-function (PMID: 25683120; PMID: 37469362; PMID: 39722796). A deletion of NALCN exon 27 was found in a father and son with temporal lobe epilepsy (PMID: 37046053).

Literature cited by the submitters: PubMed 25683120; PubMed 37469362; PubMed 39722796; PubMed 37046053.

GRCh38/hg38 13q33.1(chr13:101255543-101275146)x1

Genes: NALCN (sodium leak channel, non-selective; minus strand), LOC126861831 (P300/CBP strongly-dependent group 1 enhancer GRCh37_chr13:101909917-101911116; plus strand). Cytogenetic location: 13q33.1.
Variant type: copy number loss.
Change: copy number 1 (one copy instead of two) of chr13:101,255,543-101,275,146 (19.6 kb, GRCh38 coordinates, 1-based), cytogenetic band 13q33.1.
Identifiers: ClinVar variation 5038334 (VCV005038334.1).